The following is an entry in ClinVar:

ClinVar aggregate classification (germline): Uncertain significance (1 of 4 stars; one submission).

Submission:

Labcorp Genetics (formerly Invitae), Labcorp
Classification: Uncertain significance. Last evaluated: 2023-07-10. Review status: criteria provided, single submitter. Criteria: Invitae Variant Classification Sherloc (09022015). Collection method: clinical testing. Allele origin: germline.
Comment: ClinVar contains an entry for this variant (Variation ID: 2190364). In summary, the available evidence is currently insufficient to determine the role of this variant in disease. Therefore, it has been classified as a Variant of Uncertain Significance. An algorithm developed to predict the effect of missense changes on protein structure and function (PolyPhen-2) suggests that this variant is likely to be disruptive. This variant has not been reported in the literature in individuals affected with PTPN23-related conditions. This variant is not present in population databases (gnomAD no frequency). This sequence change replaces glutamine, which is neutral and polar, with histidine, which is basic and polar, at codon 1431 of the PTPN23 protein (p.Gln1431His).

NM_015466.4(PTPN23):c.4293G>C (p.Gln1431His)

Gene: PTPN23 (protein tyrosine phosphatase non-receptor type 23; plus strand). Cytogenetic location: 3p21.31.
Variant type: single nucleotide variant.
Coding change: c.4293G>C on transcript NM_015466.4 (MANE Select); coding-DNA position 4293, G replaced by C.
Protein change: p.Gln1431His; replaces glutamine 1431 with histidine.
Molecular consequence: missense variant.
Genome position (GRCh38, 1-based): chr3:47,412,397, G>C. VCF-style: chr3-47412397-G-C. GRCh37 (hg19) VCF-style: chr3-47453887-G-C.
Other names: c.3915G>C, p.Gln1305His (NM_001304482.2); short protein forms Q1431H, Q1305H.
Identifiers: ClinVar variation 2190364 (VCV002190364.4), dbSNP rs2546258899, ClinGen allele CA352566484.
Genomic context (GRCh38, chr3:47,412,397, plus strand): 5'-GGTGGAGGCTGGGAACGGAATCCCTGAGCTGCCTCAGCTGGTGCGGCGCATGCGGCAGCA[G>C]AGAAAGCACATGCTGCAGGAGAAGGTGAGGATCTGGGCAGATGGGGCTGGGATGGGCCTT-3'
Protein context (NP_056281.1, residues 1421-1441): LPQLVRRMRQ[Gln1431His]RKHMLQEKLH